The following is an entry in ClinVar:

ClinVar aggregate classification (germline): Uncertain significance (1 of 4 stars; one submission).

Conditions:
PDE4D-related disorder. Also called: PDE4D-related condition.

Allele frequency attached by ClinVar (database versions not stated): TOPMed 0.00001.
gnomAD v4.1: 3 of 1,599,144 alleles (0.00019%); highest among the groups gnomAD compares: Non-Finnish European, 0.000085%; no homozygotes.

Submission:

PreventionGenetics, part of Exact Sciences
Classification: Uncertain significance for PDE4D-related condition. Last evaluated: 2023-03-16. Review status: criteria provided, single submitter. Criteria: ACMG Guidelines, 2015. Collection method: clinical testing. Allele origin: germline.
Comment: The PDE4D c.194C>G variant is predicted to result in the amino acid substitution p.Pro65Arg. To our knowledge, this variant has not been reported in the literature or in a large population database, indicating this variant is rare. At this time, the clinical significance of this variant is uncertain due to the absence of conclusive functional and genetic evidence.

NM_001349241.2(PDE4D):c.194C>G (p.Pro65Arg)

Gene: PDE4D (phosphodiesterase 4D; minus strand). Cytogenetic location: 5q12.1.
Variant type: single nucleotide variant.
Coding change: c.194C>G on transcript NM_001349241.2; coding-DNA position 194, C replaced by G.
Protein change: p.Pro65Arg; replaces proline 65 with arginine.
Molecular consequence: missense variant. On other transcripts: 5 prime UTR variant (1).
Genome position (GRCh38, 1-based): chr5:59,988,536, G>C on the plus strand (C>G on the coding strand, the complement: PDE4D is on the minus strand). VCF-style: chr5-59988536-G-C. GRCh37 (hg19) VCF-style: chr5-59284363-G-C.
Other names: c.224C>G, p.Pro75Arg (NM_001165899.2, NM_001364599.1, NM_001364600.2); c.-288C>G (NM_001349243.2); short protein forms P65R, P75R.
Identifiers: ClinVar variation 2636796 (VCV002636796.1), dbSNP rs1762671405, ClinGen allele CA359933478.